The following is an entry in ClinVar:

NM_001048174.2(MUTYH):c.1361A>C (p.His454Pro)

Gene: MUTYH (mutY DNA glycosylase; minus strand). Cytogenetic location: 1p34.1.
Variant type: single nucleotide variant.
Coding change: c.1361A>C on transcript NM_001048174.2 (MANE Select); coding-DNA position 1361, A replaced by C.
Protein change: p.His454Pro; replaces histidine 454 with proline.
Molecular consequence: missense variant. On other transcripts: non-coding transcript variant (7).
Genome position (GRCh38, 1-based): chr1:45,331,213, T>G on the plus strand (A>C on the coding strand, the complement: MUTYH is on the minus strand). VCF-style: chr1-45331213-T-G. GRCh37 (hg19) VCF-style: chr1-45796885-T-G.
Other names: c.1361A>C, p.His454Pro (NM_001048171.2, NM_001048173.2, NM_001293195.2 and 6 more transcripts); c.1364A>C, p.His455Pro (NM_001048172.2, NM_001407086.1, NM_001407071.1 and 1 more transcripts); c.1445A>C, p.His482Pro (NM_001128425.2); c.1406A>C, p.His469Pro (NM_001293190.2); c.1394A>C, p.His465Pro (NM_001293191.2, NM_001407069.1, NM_001407077.1); c.1085A>C, p.His362Pro (NM_001293192.2, NM_001293196.2, NM_001407091.1); c.1016A>C, p.His339Pro (NM_001350650.2, NM_001407082.1, NM_001350651.2); c.1319A>C, p.His440Pro (NM_001407080.1); and 5 more; short protein forms H362P, H426P, H441P, H465P, H440P, H461P, H339P, H454P.
Identifiers: ClinVar variation 4113256 (VCV004113256.2).

ClinVar aggregate classification (germline): Uncertain significance. Review status: criteria provided, multiple submitters, no conflicts (2 of 4 stars). 2 submissions from 2 submitters: Uncertain significance (2). Last evaluated 2025-08-27.

Conditions:
Familial adenomatous polyposis 2. Also called: COLORECTAL ADENOMATOUS POLYPOSIS, AUTOSOMAL RECESSIVE; ADENOMAS, MULTIPLE COLORECTAL, AUTOSOMAL RECESSIVE; MYH-associated polyposis; MUTYH-associated polyposis; MUTYH-related attenuated familial adenomatous polyposis; FAP type 2. Identifiers: Orphanet 220460, Orphanet 247798, MedGen C3272841, MONDO:0012041, OMIM 608456.
Hereditary cancer-predisposing syndrome. Also called: Tumor predisposition; Neoplastic Syndromes, Hereditary; Hereditary Cancer Syndrome; Hereditary neoplastic syndrome. Identifiers: Orphanet 140162, MedGen C0027672, MeSH D009386, MONDO:0015356.

Submissions (2):

Ambry Genetics
Classification: Uncertain significance for Hereditary cancer-predisposing syndrome. Last evaluated: 2025-08-27. Review status: criteria provided, single submitter. Criteria: Ambry Variant Classification Scheme 2023. Collection method: clinical testing. Allele origin: germline.
Comment: The p.H482P variant (also known as c.1445A>C), located in coding exon 14 of the MUTYH gene, results from an A to C substitution at nucleotide position 1445. The histidine at codon 482 is replaced by proline, an amino acid with similar properties. This amino acid position is conserved. In addition, the in silico prediction for this alteration is inconclusive. Based on the available evidence, the clinical significance of this variant remains unclear.

Labcorp Genetics (formerly Invitae), Labcorp
Classification: Uncertain significance for Familial adenomatous polyposis 2. Last evaluated: 2025-05-25. Review status: criteria provided, single submitter. Criteria: Invitae Variant Classification Sherloc (09022015). Collection method: clinical testing. Allele origin: germline.
Comment: This sequence change replaces histidine, which is basic and polar, with proline, which is neutral and non-polar, at codon 482 of the MUTYH protein (p.His482Pro). This variant is not present in population databases (gnomAD no frequency). This variant has not been reported in the literature in individuals affected with MUTYH-related conditions. An algorithm developed to predict the effect of missense changes on protein structure and function (PolyPhen-2) suggests that this variant is likely to be tolerated. In summary, the available evidence is currently insufficient to determine the role of this variant in disease. Therefore, it has been classified as a Variant of Uncertain Significance.